The following is an entry in ClinVar:

NM_001134831.2(AHI1):c.82C>T (p.Arg28Cys)

Gene: AHI1 (Abelson helper integration site 1; minus strand). Cytogenetic location: 6q23.3.
Variant type: single nucleotide variant.
Coding change: c.82C>T on transcript NM_001134831.2 (MANE Select); coding-DNA position 82, C replaced by T.
Protein change: p.Arg28Cys; replaces arginine 28 with cysteine.
Molecular consequence: missense variant.
Genome position (GRCh38, 1-based): chr6:135,490,676, G>A on the plus strand (C>T on the coding strand, the complement: AHI1 is on the minus strand). VCF-style: chr6-135490676-G-A. GRCh37 (hg19) VCF-style: chr6-135811814-G-A.
Other names: c.82C>T, p.Arg28Cys (NM_001134830.2, NM_001134832.2, NM_001350503.2 and 2 more transcripts); short protein forms R28C.
Identifiers: ClinVar variation 904080 (VCV000904080.19), dbSNP rs199612496, ClinGen allele CA4012958.

ClinVar aggregate classification (germline): Benign/Likely benign. Review status: criteria provided, multiple submitters, no conflicts (2 of 4 stars). 6 submissions from 6 submitters: Benign (1); Likely benign (4). 1 of the submissions does not count toward it. Last evaluated 2026-01-26.

Conditions:
Joubert syndrome. Also called: Familial aplasia of the vermis; JOUBERT-BOLTSHAUSER SYNDROME. Identifiers: Orphanet 475, MedGen C5979921, MONDO:0018772.
Type 2 diabetes mellitus. Also called: Type II diabetes mellitus. Identifiers: MedGen C0011860, MeSH D003924, MONDO:0005148, OMIM 125853, HP:0005978.
AHI1-related disorder. Also called: AHI1-related condition.
Joubert syndrome 3 (JBTS3). Also called: AHI1-related Ciliopathy. Identifiers: Orphanet 220493, MedGen C1837713, MONDO:0012078, OMIM 608629.

Allele frequency attached by ClinVar (database versions not stated): ESP Exome Variant Server 0.00008; gnomAD 0.00011 and 0.00037; TOPMed 0.00015; 1000 Genomes Project 0.00160; 1000 Genomes Project 30x 0.00187.
gnomAD v4.1: 1,135 of 1,613,114 alleles (0.07%); highest among the groups gnomAD compares: South Asian, 0.74%; 8 homozygotes.

Submissions (7):

Labcorp Genetics (formerly Invitae), Labcorp
Classification: Benign for Joubert syndrome. Last evaluated: 2026-01-26. Review status: criteria provided, single submitter. Criteria: Invitae Variant Classification Sherloc (09022015). Collection method: clinical testing. Allele origin: germline.

Blueprint Genetics
Classification: Likely benign. Last evaluated: 2024-11-26. Review status: criteria provided, single submitter. Criteria: ACMG Guidelines, 2015. Collection method: clinical testing. Allele origin: germline.

Fulgent Genetics
Classification: Likely benign for Joubert syndrome 3. Last evaluated: 2021-09-20. Review status: criteria provided, single submitter. Criteria: ACMG Guidelines, 2015. Collection method: clinical testing. Allele origin: unknown.

Cambridge Genomics Laboratory, East Genomic Laboratory Hub, NHS Genomic Medicine Service
Classification: Likely benign for Type 2 diabetes mellitus. Last evaluated: 2020-01-29. Review status: criteria provided, single submitter. Criteria: ACGS Best Practice Guidelines for Variant Classification in Rare Disease 2020. Collection method: clinical testing. Allele origin: germline. Affected: yes. Observed: 1 variant allele.

Illumina Laboratory Services, Illumina
Classification: Likely benign for Joubert syndrome 3. Last evaluated: 2018-01-13. Review status: criteria provided, single submitter. Criteria: ICSL Variant Classification Criteria 13 December 2019. Collection method: clinical testing. Allele origin: germline.
Comment: This variant was observed in the ICSL laboratory as part of a predisposition screen in an ostensibly healthy population. It had not been previously curated by ICSL or reported in the Human Gene Mutation Database (HGMD: prior to June 1st, 2018), and was therefore a candidate for classification through an automated scoring system. Utilizing variant allele frequency, disease prevalence and penetrance estimates, and inheritance mode, an automated score was calculated to assess if this variant is too frequent to cause the disease. Based on the score and internal cut-off values, a variant classified as likely benign is not then subjected to further curation. The score for this variant resulted in a classification of likely benign for this disease.

PreventionGenetics, part of Exact Sciences
Classification: Likely benign for AHI1-related condition. Last evaluated: 2022-08-02. Review status: no assertion criteria provided. Collection method: clinical testing. Allele origin: germline. Not counted in ClinVar's aggregate classification.
Comment: This variant is classified as likely benign based on ACMG/AMP sequence variant interpretation guidelines (Richards et al. 2015 PMID: 25741868, with internal and published modifications).

Dr. Peter K. Rogan Lab, Western University
No classification provided (evidence only). Condition: Malignant tumor of esophagus. Review status: no classification provided. Collection method: in vitro. Allele origin: not applicable. Functional consequence: retained intron. Not counted in ClinVar's aggregate classification.